The following is an entry in ClinVar:

NM_001164508.2(NEB):c.24095A>G (p.Asn8032Ser)

Genes: NEB (nebulin; minus strand), RIF1 (replication timing regulatory factor 1; plus strand). Cytogenetic location: 2q23.3.
Variant type: single nucleotide variant.
Coding change: c.24095A>G on transcript NM_001164508.2 (MANE Select); coding-DNA position 24095, A replaced by G.
Protein change: p.Asn8032Ser; replaces asparagine 8032 with serine.
Molecular consequence: missense variant. On other transcripts: intron variant (1).
Genome position (GRCh38, 1-based): chr2:151,499,317, T>C on the plus strand (A>G on the coding strand, the complement: NEB is on the minus strand). VCF-style: chr2-151499317-T-C. GRCh37 (hg19) VCF-style: chr2-152355831-T-C.
Other names: c.24095A>G, p.Asn8032Ser (NM_001164507.2); c.24200A>G, p.Asn8067Ser (NM_001271208.2); c.18826-2949A>G (NM_004543.5); short protein forms N8067S, N8032S.
Identifiers: ClinVar variation 465577 (VCV000465577.14), dbSNP rs946188918, ClinGen allele CA57670460.

ClinVar aggregate classification (germline): Uncertain significance. Review status: criteria provided, single submitter (1 of 4 stars). 2 submissions from 2 submitters: Uncertain significance (1). 1 of the submissions does not count toward it. Last evaluated 2024-10-17.

Conditions:
Nemaline myopathy 2 (NEM2). Also called: Nemaline myopathy 2, autosomal recessive. Identifiers: MedGen C1850569, MONDO:0009725, OMIM 256030.

Allele frequency attached by ClinVar (database versions not stated): gnomAD exomes below 0.00001; TOPMed 0.00002.
gnomAD v4.1: 6 of 1,523,714 alleles (0.00039%); highest among the groups gnomAD compares: Non-Finnish European, 0.00053%; no homozygotes.

Submissions (2):

Labcorp Genetics (formerly Invitae), Labcorp
Classification: Uncertain significance for Nemaline myopathy 2. Last evaluated: 2024-10-17. Review status: criteria provided, single submitter. Criteria: Invitae Variant Classification Sherloc (09022015). Collection method: clinical testing. Allele origin: germline.
Comment: This sequence change replaces asparagine, which is neutral and polar, with serine, which is neutral and polar, at codon 8067 of the NEB protein (p.Asn8067Ser). This variant is not present in population databases (gnomAD no frequency). This variant has not been reported in the literature in individuals affected with NEB-related conditions. ClinVar contains an entry for this variant (Variation ID: 465577). Experimental studies and prediction algorithms are not available or were not evaluated, and the functional significance of this variant is currently unknown. In summary, the available evidence is currently insufficient to determine the role of this variant in disease. Therefore, it has been classified as a Variant of Uncertain Significance.

Natera, Inc.
Classification: Uncertain significance for Nemaline myopathy type 2. Last evaluated: 2021-02-11. Review status: no assertion criteria provided. Collection method: clinical testing. Allele origin: germline. Not counted in ClinVar's aggregate classification.